The following is an entry in ClinVar:

NM_004984.4(KIF5A):c.861T>C (p.Ile287=)

Gene: KIF5A (kinesin family member 5A; plus strand). Cytogenetic location: 12q13.3.
Variant type: single nucleotide variant.
Coding change: c.861T>C on transcript NM_004984.4 (MANE Select); coding-DNA position 861, T replaced by C.
Protein change: p.Ile287=; no amino-acid change (isoleucine 287 retained).
Molecular consequence: synonymous variant.
Genome position (GRCh38, 1-based): chr12:57,569,297, T>C. VCF-style: chr12-57569297-T-C. GRCh37 (hg19) VCF-style: chr12-57963080-T-C.
Other names: c.594T>C, p.Ile198= (NM_001354705.2).
Identifiers: ClinVar variation 509778 (VCV000509778.2), dbSNP rs1283311048, ClinGen allele CA480264167.
Genomic context (GRCh38, chr12:57,569,297, plus strand): 5'-GGTCTCCTTCCTCCCCCAGAAAAGCTATGTTCCATATCGTGACAGCAAAATGACAAGGAT[T>C]CTCCAGGACTCTCTCGGGGGAAACTGCCGGACGACTATGTTCATCTGTTGCTCACCATCC-3'
Protein context (NP_004975.2, residues 277-297): VPYRDSKMTR[Ile287=]LQDSLGGNCR

ClinVar aggregate classification (germline): Likely benign. Review status: criteria provided, multiple submitters, no conflicts (2 of 4 stars). 2 submissions from 2 submitters: Likely benign (2). Last evaluated 2025-03-09.

Conditions:
Spastic paraplegia. Identifiers: MedGen C0037772, HP:0001258.

Allele frequency attached by ClinVar (database versions not stated): TOPMed below 0.00001; gnomAD 0.00001; gnomAD exomes 0.00001.
gnomAD v4.1: 16 of 1,613,810 alleles (0.00099%); highest among the groups gnomAD compares: Non-Finnish European, 0.0014%; no homozygotes.

Submissions (2):

Labcorp Genetics (formerly Invitae), Labcorp
Classification: Likely benign for Spastic paraplegia. Last evaluated: 2025-03-09. Review status: criteria provided, single submitter. Criteria: Invitae Variant Classification Sherloc (09022015). Collection method: clinical testing. Allele origin: germline.

GeneDx
Classification: Likely benign. Last evaluated: 2017-06-02. Review status: criteria provided, single submitter. Criteria: GeneDx Variant Classification (06012015). Collection method: clinical testing. Allele origin: germline. Affected: yes.
Comment: This variant is considered likely benign or benign based on one or more of the following criteria: it is a conservative change, it occurs at a poorly conserved position in the protein, it is predicted to be benign by multiple in silico algorithms, and/or has population frequency not consistent with disease.